The following is an entry in ClinVar:

ClinVar aggregate classification (germline): Uncertain significance. Review status: criteria provided, multiple submitters, no conflicts (2 of 4 stars). 5 submissions from 5 submitters: Uncertain significance (5). Last evaluated 2026-08-31.

Conditions:
Inborn genetic diseases. Identifiers: MedGen C0950123, MeSH D030342.
PRX-related disorder. Also called: PRX-Related Disorders; PRX-related condition.
Charcot-Marie-Tooth disease type 4. Also called: Charcot-Marie-Tooth disease, type IV; Charcot-Marie-Tooth, Type 4. Identifiers: Orphanet 64749, MedGen C4082197, MONDO:0018995.

Allele frequency attached by ClinVar (database versions not stated): TOPMed 0.00008; 1000 Genomes Project 30x 0.00016; gnomAD 0.00016 and 0.00019; 1000 Genomes Project 0.00020.
gnomAD v4.1: 41 of 1,614,118 alleles (0.0025%); highest among the groups gnomAD compares: Admixed American, 0.055%; no homozygotes.

Submissions (5):

PreventionGenetics, part of Exact Sciences
Classification: Uncertain significance for PRX-related condition. Last evaluated: 2026-08-31. Review status: criteria provided, single submitter. Criteria: ACMG Guidelines, 2015. Collection method: clinical testing. Allele origin: germline.
Comment: The PRX c.257G>A variant is predicted to result in the amino acid substitution p.Cys86Tyr. To our knowledge, this variant has not been reported in the literature. This variant is reported in 0.0029% of alleles in individuals of Latino descent in gnomAD. At this time, the clinical significance of this variant is uncertain due to the absence of conclusive functional and genetic evidence.

Ambry Genetics
Classification: Uncertain significance for Inborn genetic diseases. Last evaluated: 2023-11-21. Review status: criteria provided, single submitter. Criteria: Ambry Variant Classification Scheme 2023. Collection method: clinical testing. Allele origin: germline.

GeneDx
Classification: Uncertain significance. Last evaluated: 2023-06-08. Review status: criteria provided, single submitter. Criteria: GeneDx Variant Classification Process June 2021. Collection method: clinical testing. Allele origin: germline. Affected: yes.
Comment: Not observed at significant frequency in large population cohorts (gnomAD); In silico analysis supports that this missense variant has a deleterious effect on protein structure/function; Has not been previously published as pathogenic or benign to our knowledge; This variant is associated with the following publications: (PMID: 26415585)

Labcorp Genetics (formerly Invitae), Labcorp
Classification: Uncertain significance for Charcot-Marie-Tooth disease type 4. Last evaluated: 2022-07-05. Review status: criteria provided, single submitter. Criteria: Invitae Variant Classification Sherloc (09022015). Collection method: clinical testing. Allele origin: germline.
Comment: This sequence change replaces cysteine, which is neutral and slightly polar, with tyrosine, which is neutral and polar, at codon 86 of the PRX protein (p.Cys86Tyr). This variant is present in population databases (rs565094384, gnomAD 0.006%). This variant has not been reported in the literature in individuals affected with PRX-related conditions. ClinVar contains an entry for this variant (Variation ID: 940223). Algorithms developed to predict the effect of missense changes on protein structure and function are either unavailable or do not agree on the potential impact of this missense change (SIFT: "Deleterious"; PolyPhen-2: "Possibly Damaging"; Align-GVGD: "Class C0"). In summary, the available evidence is currently insufficient to determine the role of this variant in disease. Therefore, it has been classified as a Variant of Uncertain Significance.

Athena Diagnostics
Classification: Uncertain significance. Last evaluated: 2021-05-05. Review status: criteria provided, single submitter. Criteria: Athena Diagnostics criteria. Collection method: clinical testing. Allele origin: unknown.

NM_181882.3(PRX):c.257G>A (p.Cys86Tyr)

Gene: PRX (periaxin; minus strand). Cytogenetic location: 19q13.2.
Variant type: single nucleotide variant.
Coding change: c.257G>A on transcript NM_181882.3 (MANE Select); coding-DNA position 257, G replaced by A.
Protein change: p.Cys86Tyr; replaces cysteine 86 with tyrosine.
Molecular consequence: missense variant.
Genome position (GRCh38, 1-based): chr19:40,398,744, C>T on the plus strand (G>A on the coding strand, the complement: PRX is on the minus strand). VCF-style: chr19-40398744-C-T. GRCh37 (hg19) VCF-style: chr19-40904651-C-T.
Other names: c.257G>A, p.Cys86Tyr (NM_020956.2); short protein forms C86Y.
Identifiers: ClinVar variation 940223 (VCV000940223.12), dbSNP rs565094384, ClinGen allele CA9444524.